The following is an entry in ClinVar:

ClinVar aggregate classification (germline): Benign. Review status: criteria provided, multiple submitters, no conflicts (2 of 4 stars). 6 submissions from 6 submitters: Benign (5). 1 of the submissions does not count toward it. Last evaluated 2026-02-02.

Conditions:
Amyotrophic lateral sclerosis type 1 (ALS1). Also called: AMYOTROPHIC LATERAL SCLEROSIS 1, FAMILIAL. Identifiers: Orphanet 803, MedGen C1862939, MONDO:0007103, OMIM 105400.

Submissions (6):

Labcorp Genetics (formerly Invitae), Labcorp
Classification: Benign. Last evaluated: 2026-02-02. Review status: criteria provided, single submitter. Criteria: Invitae Variant Classification Sherloc (09022015). Collection method: clinical testing. Allele origin: germline.

Dasa
Classification: Benign. Last evaluated: 2025-10-29. Review status: criteria provided, single submitter. Criteria: DASA Assertion Criteria. Collection method: clinical testing. Allele origin: germline.
Comment: NM_021076.4(NEFH):c.2232_2249del (p.Ser752_Lys757del) is an in-frame deletion predicted to remove amino acids from serine at protein position 752 through lysine at protein position 757 without shifting the reading frame. Population frequency is inconsistent with a disease-causing role for this variant. Therefore, based on the currently available evidence, this variant is classified as benign.

Mayo Clinic Laboratories, Mayo Clinic
Classification: Benign. Last evaluated: 2023-01-31. Review status: criteria provided, single submitter. Criteria: ACMG Guidelines, 2015. Collection method: clinical testing. Allele origin: germline. Observed: 21 variant alleles.
Comment: BA1

GeneDx
Classification: Benign. Last evaluated: 2021-05-04. Review status: criteria provided, single submitter. Criteria: GeneDx Variant Classification Process June 2021. Collection method: clinical testing. Allele origin: germline. Affected: yes.

Mendelics
Classification: Benign for Amyotrophic lateral sclerosis type 1. Last evaluated: 2019-05-28. Review status: criteria provided, single submitter. Criteria: Mendelics Assertion Criteria 2017. Collection method: clinical testing. Allele origin: unknown.

Epithelial Biology;  Institute of Medical Biology, Singapore
No classification provided. Review status: no classification provided. Collection method: not provided. Allele origin: not provided. Not counted in ClinVar's aggregate classification.

Literature cited by the submitters: PubMed 32409511 (cited by Mayo Clinic Laboratories, Mayo Clinic); PubMed 34426522 (cited by Mayo Clinic Laboratories, Mayo Clinic); PubMed 9931323 (cited by Mayo Clinic Laboratories, Mayo Clinic).

NM_021076.4(NEFH):c.2232_2249del (p.746_751SPEKAK[1])

Gene: NEFH (neurofilament heavy chain; plus strand). Cytogenetic location: 22q12.2.
Variant type: Deletion.
Coding change: c.2232_2249del on transcript NM_021076.4 (MANE Select); coding-DNA positions 2232 to 2249, 18 bases deleted (TAAGTCCCCAGAGAAGGC).
Protein change: p.746_751SPEKAK[1].
Molecular consequence: inframe deletion.
Genome position (GRCh38, 1-based): chr22:29,489,872-29,489,889, TAAGTCCCCAGAGAAGGC deleted; deleting any 18 consecutive bases within chr22:29,489,870-29,489,889 gives the same sequence; the c. name uses the placement nearest the transcript's 3' end. VCF-style (leftmost placement, unchanged base first): chr22-29489869-AGCTAAGTCCCCAGAGAAG-A. GRCh37 (hg19) VCF-style: chr22-29885858-AGCTAAGTCCCCAGAGAAG-A.
Other names: p.Ser752_Lys757del; c.2230_2247del18 (NM_021076.3); c.2232_2249del (NM_021076.3).
Identifiers: ClinVar variation 66738 (VCV000066738.17), dbSNP rs59890097, ClinGen allele CA217648.
Genomic context (GRCh38, chr22:29,489,869, plus strand): 5'-GTCCCCAGTGAAGGAAGAAGCAAAGACCCCCGAGAAGGCCAAGTCCCCAGTGAAGGAAGA[AGCTAAGTCCCCAGAGAAG>A]GCCAAGTCCCCAGAGAAGGCCAAGACTCTTGATGTGAAGTCTCCAGAAGCCAAGACTCCA-3'